The following is an entry in ClinVar:

NM_030761.5(WNT4):c.320G>A (p.Arg107Gln)

Gene: WNT4 (Wnt family member 4; minus strand). Cytogenetic location: 1p36.12.
Variant type: single nucleotide variant.
Coding change: c.320G>A on transcript NM_030761.5 (MANE Select); coding-DNA position 320, G replaced by A.
Protein change: p.Arg107Gln; replaces arginine 107 with glutamine.
Molecular consequence: missense variant.
Genome position (GRCh38, 1-based): chr1:22,121,570, C>T on the plus strand (G>A on the coding strand, the complement: WNT4 is on the minus strand). VCF-style: chr1-22121570-C-T. GRCh37 (hg19) VCF-style: chr1-22448063-C-T.
Other names: short protein forms R107Q.
Identifiers: ClinVar variation 2420265 (VCV002420265.6), dbSNP rs758187359, ClinGen allele CA338918213.

ClinVar aggregate classification (germline): Uncertain significance (1 of 4 stars; one submission).

Allele frequency attached by ClinVar (database versions not stated): gnomAD exomes 0.00001.
gnomAD v4.1: 7 of 1,613,176 alleles (0.00043%); highest among the groups gnomAD compares: Non-Finnish European, 0.00051%; no homozygotes.

Submission:

Labcorp Genetics (formerly Invitae), Labcorp
Classification: Uncertain significance. Last evaluated: 2024-02-24. Review status: criteria provided, single submitter. Criteria: Invitae Variant Classification Sherloc (09022015). Collection method: clinical testing. Allele origin: germline.
Comment: This sequence change replaces arginine, which is basic and polar, with glutamine, which is neutral and polar, at codon 107 of the WNT4 protein (p.Arg107Gln). This variant is present in population databases (no rsID available, gnomAD 0.0009%). This variant has not been reported in the literature in individuals affected with WNT4-related conditions. ClinVar contains an entry for this variant (Variation ID: 2420265). Advanced modeling of protein sequence and biophysical properties (such as structural, functional, and spatial information, amino acid conservation, physicochemical variation, residue mobility, and thermodynamic stability) performed at Invitae indicates that this missense variant is expected to disrupt WNT4 protein function with a positive predictive value of 80%. In summary, the available evidence is currently insufficient to determine the role of this variant in disease. Therefore, it has been classified as a Variant of Uncertain Significance.